The following is an entry in ClinVar:

ClinVar aggregate classification (germline): Likely pathogenic (1 of 4 stars; one submission).

Conditions:
Glycogen storage disease type III (GSD3). Also called: FORBES DISEASE; Cori disease. Identifiers: Orphanet 366, MedGen C0017922, MONDO:0009291, OMIM 232400.

Submission:

Myriad Genetics, Inc.
Classification: Likely pathogenic for Glycogen storage disease type III. Last evaluated: 2022-03-31. Review status: criteria provided, single submitter. Criteria: Myriad Women's Health Autosomal Recessive and X-Linked Classification Criteria (2021). Collection method: clinical testing. Allele origin: unknown.
Comment: NM_000642.2(AGL):c.3178delT(S1060Hfs*4) is expected to be pathogenic in the context of glycogen storage disease type III. This variant is predicted to lead to an abnormal or absent protein product due to the creation of a premature termination codon in AGL, a gene where loss-of-function variants are known to be pathogenic. Please note: this variant was assessed in the context of healthy population screening.

NM_000642.3(AGL):c.3178del (p.Ser1060fs)

Gene: AGL (amylo-alpha-1,6-glucosidase and 4-alpha-glucanotransferase; plus strand). Cytogenetic location: 1p21.2.
Variant type: Deletion.
Coding change: c.3178del on transcript NM_000642.3 (MANE Select); coding-DNA position 3178, one base deleted (T; older notation c.3178delT).
Protein change: p.Ser1060fs; shifts the reading frame from serine 1060.
Molecular consequence: frameshift variant.
Genome position (GRCh38, 1-based): chr1:99,892,526, T deleted; the last of 3 consecutive T bases (chr1:99,892,524-99,892,526); deleting any one gives the same sequence. VCF-style (leftmost placement, unchanged base first): chr1-99892523-CT-C. GRCh37 (hg19) VCF-style: chr1-100358079-CT-C.
Other names: c.3178delT, p.Ser1060Hisfs (NM_000028.3, NM_000643.3, NM_000644.3 and 1 more transcripts); c.3130delT, p.Ser1044Hisfs (NM_000646.3); c.3157delT, p.Ser1053Hisfs (NM_001425326.1); c.2977delT, p.Ser993Hisfs (NM_001425327.1); c.2974delT, p.Ser992Hisfs (NM_001425328.1); c.2839delT, p.Ser947Hisfs (NM_001425329.1); c.2800delT, p.Ser934Hisfs (NM_001425332.1); short protein forms S1044fs, S1060fs.
Identifiers: ClinVar variation 1725702 (VCV001725702.2), dbSNP rs2524731921, ClinGen allele CA2580063589.